The following is an entry in ClinVar:

NM_001365276.2(TNXB):c.86G>A (p.Arg29Gln)

Gene: TNXB (tenascin XB; minus strand). Cytogenetic location: 6p21.33.
Variant type: single nucleotide variant.
Coding change: c.86G>A on transcript NM_001365276.2 (MANE Select); coding-DNA position 86, G replaced by A.
Protein change: p.Arg29Gln; replaces arginine 29 with glutamine.
Molecular consequence: missense variant.
Genome position (GRCh38, 1-based): chr6:32,098,113, C>T on the plus strand (G>A on the coding strand, the complement: TNXB is on the minus strand). VCF-style: chr6-32098113-C-T. GRCh37 (hg19) VCF-style: chr6-32065890-C-T.
Other names: NC_000006.11:g.32065890C>T; p.Arg29Gln; c.86G>A, p.Arg29Gln (NM_019105.8); short protein forms R29Q.
Identifiers: ClinVar variation 1201535 (VCV001201535.24), dbSNP rs184878358, ClinGen allele CA3735913.

ClinVar aggregate classification (germline): Benign/Likely benign. Review status: criteria provided, multiple submitters, no conflicts (2 of 4 stars). 10 submissions from 10 submitters: Benign (4); Likely benign (5). 1 of the submissions does not count toward it. Last evaluated 2026-04-06.

Conditions:
TNXB-related disorder. Also called: TNXB-related condition.
Ehlers-Danlos syndrome (EDS). Identifiers: Orphanet 98249, MedGen C0013720, MONDO:0020066.
Cardiovascular phenotype. Identifiers: MedGen CN230736.
Vesicoureteral reflux 8 (VUR8). Identifiers: Orphanet 289365, MedGen C4014831, MONDO:0014422, OMIM 615963.
Ehlers-Danlos syndrome due to tenascin-X deficiency (EDSCLL1). Also called: TNX DEFICIENCY; EHLERS-DANLOS SYNDROME, CLASSIC-LIKE; Ehlers-Danlos syndrome, classic-like, 1; TNXB-Related Classical-Like Ehlers-Danlos Syndrome; EDS DUE TO TNX DEFICIENCY. Identifiers: Orphanet 230839, MedGen C1848029, MONDO:0011670, OMIM 606408.

Allele frequency attached by ClinVar (database versions not stated): ESP Exome Variant Server 0.00008; gnomAD 0.00060 and 0.00126; TOPMed 0.00092; gnomAD exomes 0.00330; ExAC 0.00342; 1000 Genomes Project 0.00699; 1000 Genomes Project 30x 0.00734.

Submissions (11):

Women's Health and Genetics/Laboratory Corporation of America, LabCorp
Classification: Likely benign. Last evaluated: 2026-04-06. Review status: criteria provided, single submitter. Criteria: LabCorp Variant Classification Summary - May 2015. Collection method: clinical testing. Allele origin: germline.

Labcorp Genetics (formerly Invitae), Labcorp
Classification: Benign. Last evaluated: 2026-01-28. Review status: criteria provided, single submitter. Criteria: Invitae Variant Classification Sherloc (09022015). Collection method: clinical testing. Allele origin: germline.

CeGaT Center for Human Genetics Tuebingen
Classification: Likely benign. Last evaluated: 2025-07-01. Review status: criteria provided, single submitter. Criteria: CeGaT Center For Human Genetics Tuebingen Variant Classification Criteria Version 2. Collection method: clinical testing. Allele origin: germline. Affected: yes. Observed: 1 variant allele.
Comment: TNXB: PM5, BS1, BS2

Mayo Clinic Laboratories, Mayo Clinic
Classification: Benign. Last evaluated: 2024-09-25. Review status: criteria provided, single submitter. Criteria: ACMG Guidelines, 2015. Collection method: clinical testing. Allele origin: germline. Observed: 3 variant alleles.
Comment: BS1, BS2

Fulgent Genetics
Classification: Benign for Ehlers-Danlos syndrome due to tenascin-X deficiency; Vesicoureteral reflux 8. Last evaluated: 2022-03-17. Review status: criteria provided, single submitter. Criteria: ACMG Guidelines, 2015. Collection method: clinical testing. Allele origin: unknown.

Genome Diagnostics Laboratory, The Hospital for Sick Children
Classification: Likely benign for Ehlers-Danlos syndrome. Last evaluated: 2021-06-24. Review status: criteria provided, single submitter. Criteria: ACMG Guidelines, 2015. Collection method: clinical testing. Allele origin: germline.

GeneDx
Classification: Likely benign. Last evaluated: 2021-01-23. Review status: criteria provided, single submitter. Criteria: GeneDx Variant Classification Process June 2021. Collection method: clinical testing. Allele origin: germline. Affected: yes.

Ambry Genetics
Classification: Benign for Cardiovascular phenotype. Last evaluated: 2019-03-07. Review status: criteria provided, single submitter. Criteria: Ambry Variant Classification Scheme 2023. Collection method: clinical testing. Allele origin: germline.

Breakthrough Genomics
Classification: Likely benign. Review status: criteria provided, single submitter. Criteria: ACMG Guidelines, 2015. Collection method: not provided. Allele origin: germline. Inheritance: Autosomal recessive inheritance. Affected: yes.

PreventionGenetics, part of Exact Sciences
Classification: Benign for TNXB-related condition. Last evaluated: 2019-03-18. Review status: no assertion criteria provided. Collection method: clinical testing. Allele origin: germline. Not counted in ClinVar's aggregate classification.
Comment: This variant is classified as benign based on ACMG/AMP sequence variant interpretation guidelines (Richards et al. 2015 PMID: 25741868, with internal and published modifications).

Dr. Peter K. Rogan Lab, Western University
No classification provided (evidence only). Condition: Familial cancer of breast. Review status: no classification provided. Collection method: in vitro. Allele origin: not applicable. Functional consequence: retained intron. Not counted in ClinVar's aggregate classification.